The following is an entry in ClinVar:

NM_001012339.3(DNAJC21):c.952G>A (p.Ala318Thr)

Gene: DNAJC21 (DnaJ heat shock protein family (Hsp40) member C21; plus strand). Cytogenetic location: 5p13.2.
Variant type: single nucleotide variant.
Coding change: c.952G>A on transcript NM_001012339.3 (MANE Select); coding-DNA position 952, G replaced by A.
Protein change: p.Ala318Thr; replaces alanine 318 with threonine.
Molecular consequence: missense variant.
Genome position (GRCh38, 1-based): chr5:34,941,152, G>A. VCF-style: chr5-34941152-G-A. GRCh37 (hg19) VCF-style: chr5-34941257-G-A.
Other names: c.952G>A, p.Ala318Thr (NM_001348420.2, NM_194283.4); short protein forms A318T.
Identifiers: ClinVar variation 1466232 (VCV001466232.7), dbSNP rs2112055110, ClinGen allele CA359416766.

ClinVar aggregate classification (germline): Uncertain significance (1 of 4 stars; one submission).

Submission:

Labcorp Genetics (formerly Invitae), Labcorp
Classification: Uncertain significance. Last evaluated: 2021-06-06. Review status: criteria provided, single submitter. Criteria: Invitae Variant Classification Sherloc (09022015). Collection method: clinical testing. Allele origin: germline.
Comment: This sequence change replaces alanine with threonine at codon 318 of the DNAJC21 protein (p.Ala318Thr). The alanine residue is highly conserved and there is a small physicochemical difference between alanine and threonine. This variant is not present in population databases (ExAC no frequency). This variant has not been reported in the literature in individuals with DNAJC21-related conditions. Algorithms developed to predict the effect of missense changes on protein structure and function are either unavailable or do not agree on the potential impact of this missense change (SIFT: "Tolerated"; PolyPhen-2: "Probably Damaging"; Align-GVGD: "Class C0"). In summary, the available evidence is currently insufficient to determine the role of this variant in disease. Therefore, it has been classified as a Variant of Uncertain Significance.